The following is an entry in ClinVar:

ClinVar aggregate classification (germline): Likely pathogenic (1 of 4 stars; one submission).

Conditions:
Mucopolysaccharidosis, MPS-IV-B (MPS4B). Also called: Mucopolysaccharidosis type IV B; Mucopolysaccharidosis Type IVB (Morquio B Disease); MORQUIO SYNDROME B; Mucopolysaccharidosis type 4B; Mucopolysaccharidosis Type IVB; Mucopolysaccharidosis type IVB (Morquio). Identifiers: Orphanet 309310, Orphanet 582, MedGen C0086652, MONDO:0009660, OMIM 253010.
GM1 gangliosidosis. Identifiers: Orphanet 354, MedGen C0085131, MONDO:0018149.

Submission:

Labcorp Genetics (formerly Invitae), Labcorp
Classification: Likely pathogenic for Mucopolysaccharidosis, MPS-IV-B; GM1 gangliosidosis. Last evaluated: 2024-03-11. Review status: criteria provided, single submitter. Criteria: Invitae Variant Classification Sherloc (09022015). Collection method: clinical testing. Allele origin: germline.
Comment: This sequence change falls in intron 13 of the GLB1 gene. It does not directly change the encoded amino acid sequence of the GLB1 protein. It affects a nucleotide within the consensus splice site. This variant is not present in population databases (gnomAD no frequency). This variant has been observed in individual(s) with GLB1-related conditions (Invitae). In at least one individual the data is consistent with being in trans (on the opposite chromosome) from a pathogenic variant. ClinVar contains an entry for this variant (Variation ID: 946865). Variants that disrupt the consensus splice site are a relatively common cause of aberrant splicing (PMID: 17576681, 9536098). Algorithms developed to predict the effect of sequence changes on RNA splicing suggest that this variant may disrupt the consensus splice site. In summary, the currently available evidence indicates that the variant is pathogenic, but additional data are needed to prove that conclusively. Therefore, this variant has been classified as Likely Pathogenic.

Literature cited by the submitters: PubMed 17576681; PubMed 9536098.

NM_000404.4(GLB1):c.1348-3C>G

Gene: GLB1 (galactosidase beta 1; minus strand). Cytogenetic location: 3p22.3.
Variant type: single nucleotide variant.
Coding change: c.1348-3C>G on transcript NM_000404.4 (MANE Select); 3 bases into the intron before coding-DNA position 1348, C replaced by G.
Molecular consequence: intron variant.
Genome position (GRCh38, 1-based): chr3:33,016,843, G>C on the plus strand (C>G on the coding strand, the complement: GLB1 is on the minus strand). VCF-style: chr3-33016843-G-C. GRCh37 (hg19) VCF-style: chr3-33058335-G-C.
Other names: c.1348-3C>G (NM_001393580.1); c.955-3C>G (NM_001135602.3); c.1492-3C>G (NM_001317040.2); c.1258-3C>G (NM_001079811.3).
Identifiers: ClinVar variation 946865 (VCV000946865.6), dbSNP rs1697255114, ClinGen allele CA1139657924.
Genomic context (GRCh38, chr3:33,016,843, plus strand): 5'-CTTTCCCTGTTATGTTCAGAGTGATCACATTGTTTCGCTCAAGGACTCCCTGGGGGATCT[G>C]TGGGGTTCAAGACCAAATGACAATTGAATTGAGGGTAAGAAGGTCAGCAAGGAGAGGCAG-3'